The following is an entry in ClinVar:

ClinVar aggregate classification (germline): Benign/Likely benign. Review status: criteria provided, multiple submitters, no conflicts (2 of 4 stars). 6 submissions from 5 submitters: Benign (4); Likely benign (2). Last evaluated 2026-01-28.

Conditions:
Leigh syndrome (NULS). Also called: Leigh Disease; Subacute necrotizing encephalopathy; Necrotizing encephalopathy infantile subacute of Leigh; Leigh Syndrome (mtDNA deletion); Leigh's syndrome; LEIGH SYNDROME, NUCLEAR. Identifiers: Orphanet 506, MedGen C2931891, MONDO:0009723, OMIM 256000.
Mitochondrial complex IV deficiency, nuclear type 1 (MC4DN1). Also called: Mitochondrial complex IV deficiency; Complex 4 mitochondrial respiratory chain deficiency; Deficiency of mitochondrial respiratory chain complex4; Complex IV deficiency; COX DEFICIENCY. Identifiers: MedGen C5435656, MONDO:0700250, OMIM 220110. Disease mechanism: loss of function.

Allele frequency attached by ClinVar (database versions not stated): gnomAD exomes 0.00870; ExAC 0.01028; 1000 Genomes Project 0.02656; gnomAD 0.02804; 1000 Genomes Project 30x 0.02889; TOPMed 0.02908; ESP Exome Variant Server 0.03060.
gnomAD v4.1: 11,967 of 1,613,732 alleles (0.74%); highest among the groups gnomAD compares: African/African-American, 8.1%; 296 homozygotes.

Submissions (6):

Labcorp Genetics (formerly Invitae), Labcorp
Classification: Benign. Last evaluated: 2026-01-28. Review status: criteria provided, single submitter. Criteria: Invitae Variant Classification Sherloc (09022015). Collection method: clinical testing. Allele origin: germline.

Mayo Clinic Laboratories, Mayo Clinic
Classification: Benign. Last evaluated: 2021-11-04. Review status: criteria provided, single submitter. Criteria: ACMG Guidelines, 2015. Collection method: clinical testing. Allele origin: germline. Observed: 69 variant alleles.

Illumina Laboratory Services, Illumina
Classification: Benign for Leigh syndrome. Last evaluated: 2018-01-12. Review status: criteria provided, single submitter. Criteria: ICSL Variant Classification Criteria 13 December 2019. Collection method: clinical testing. Allele origin: germline.
Comment: This variant was observed in the ICSL laboratory as part of a predisposition screen in an ostensibly healthy population. It had not been previously curated by ICSL or reported in the Human Gene Mutation Database (HGMD: prior to June 1st, 2018), and was therefore a candidate for classification through an automated scoring system. Utilizing variant allele frequency, disease prevalence and penetrance estimates, and inheritance mode, an automated score was calculated to assess if this variant is too frequent to cause the disease. Based on the score and internal cut-off values, a variant classified as benign is not then subjected to further curation. The score for this variant resulted in a classification of benign for this disease.

Illumina Laboratory Services, Illumina
Classification: Likely benign for Mitochondrial complex IV deficiency, nuclear type 1. Last evaluated: 2018-01-12. Review status: criteria provided, single submitter. Criteria: ICSL Variant Classification Criteria 13 December 2019. Collection method: clinical testing. Allele origin: germline.
Comment: This variant was observed in the ICSL laboratory as part of a predisposition screen in an ostensibly healthy population. It had not been previously curated by ICSL or reported in the Human Gene Mutation Database (HGMD: prior to June 1st, 2018), and was therefore a candidate for classification through an automated scoring system. Utilizing variant allele frequency, disease prevalence and penetrance estimates, and inheritance mode, an automated score was calculated to assess if this variant is too frequent to cause the disease. Based on the score and internal cut-off values, a variant classified as likely benign is not then subjected to further curation. The score for this variant resulted in a classification of likely benign for this disease.

GeneDx
Classification: Benign. Last evaluated: 2012-03-15. Review status: criteria provided, single submitter. Criteria: GeneDx Variant Classification (06012015). Collection method: clinical testing. Allele origin: germline. Affected: yes.
Comment: This variant is considered likely benign or benign based on one or more of the following criteria: it is a conservative change, it occurs at a poorly conserved position in the protein, it is predicted to be benign by multiple in silico algorithms, and/or has population frequency not consistent with disease.

Breakthrough Genomics
Classification: Likely benign. Review status: criteria provided, single submitter. Criteria: ACMG Guidelines, 2015. Collection method: not provided. Allele origin: germline. Inheritance: Autosomal recessive inheritance. Affected: yes.

NM_001303.4(COX10):c.1038G>A (p.Ser346=)

Gene: COX10 (cytochrome c oxidase assembly factor heme A:farnesyltransferase COX10; plus strand). Cytogenetic location: 17p12.
Variant type: single nucleotide variant.
Coding change: c.1038G>A on transcript NM_001303.4 (MANE Select); coding-DNA position 1038, G replaced by A.
Protein change: p.Ser346=; no amino-acid change (serine 346 retained).
Molecular consequence: synonymous variant.
Genome position (GRCh38, 1-based): chr17:14,206,919, G>A. VCF-style: chr17-14206919-G-A. GRCh37 (hg19) VCF-style: chr17-14110236-G-A.
Other names: p.S346S:TCG>TCA; p.Ser346=.
Identifiers: ClinVar variation 137001 (VCV000137001.14), dbSNP rs2230355, ClinGen allele CA290462.